The following is an entry in ClinVar:

ClinVar aggregate classification (germline): Likely benign. Review status: criteria provided, multiple submitters, no conflicts (2 of 4 stars). 4 submissions from 4 submitters: Likely benign (4). Last evaluated 2026-02-03.

Conditions:
Combined oxidative phosphorylation defect type 27. Also called: Combined oxidative phosphorylation deficiency 27. Identifiers: Orphanet 477774, MedGen C5567608, MONDO:0014728, OMIM 616672.

Allele frequency attached by ClinVar (database versions not stated): TOPMed 0.00064; gnomAD exomes 0.00097 and 0.00060; ESP Exome Variant Server 0.00123; 1000 Genomes Project 30x 0.00016; 1000 Genomes Project 0.00020; ExAC 0.00054; gnomAD 0.00060 and 0.00061.
gnomAD v4.1: 1,484 of 1,609,456 alleles (0.092%); highest among the groups gnomAD compares: Non-Finnish European, 0.12%; no homozygotes.

Submissions (4):

Labcorp Genetics (formerly Invitae), Labcorp
Classification: Likely benign for Combined oxidative phosphorylation defect type 27. Last evaluated: 2026-02-03. Review status: criteria provided, single submitter. Criteria: Invitae Variant Classification Sherloc (09022015). Collection method: clinical testing. Allele origin: germline.

Blueprint Genetics
Classification: Likely benign. Last evaluated: 2024-07-23. Review status: criteria provided, single submitter. Criteria: ACMG Guidelines, 2015. Collection method: clinical testing. Allele origin: germline.

Women's Health and Genetics/Laboratory Corporation of America, LabCorp
Classification: Likely benign. Last evaluated: 2024-02-19. Review status: criteria provided, single submitter. Criteria: LabCorp Variant Classification Summary - May 2015. Collection method: clinical testing. Allele origin: germline.

GeneDx
Classification: Likely benign. Last evaluated: 2018-01-17. Review status: criteria provided, single submitter. Criteria: GeneDx Variant Classification (06012015). Collection method: clinical testing. Allele origin: germline. Affected: yes.
Comment: This variant is considered likely benign or benign based on one or more of the following criteria: it is a conservative change, it occurs at a poorly conserved position in the protein, it is predicted to be benign by multiple in silico algorithms, and/or has population frequency not consistent with disease.

NM_024537.4(CARS2):c.465+14C>T

Gene: CARS2 (cysteinyl-tRNA synthetase 2, mitochondrial; minus strand). Cytogenetic location: 13q34.
Variant type: single nucleotide variant.
Coding change: c.465+14C>T on transcript NM_024537.4 (MANE Select); 14 bases into the intron after coding-DNA position 465, C replaced by T.
Molecular consequence: intron variant.
Genome position (GRCh38, 1-based): chr13:110,687,933, G>A on the plus strand (C>T on the coding strand, the complement: CARS2 is on the minus strand). VCF-style: chr13-110687933-G-A. GRCh37 (hg19) VCF-style: chr13-111340280-G-A.
Other names: c.-535+14C>T (NM_001352252.2); c.465+14C>T (NM_001352253.3).
Identifiers: ClinVar variation 388372 (VCV000388372.11), dbSNP rs41315944, ClinGen allele CA7052251.
Genomic context (GRCh38, chr13:110,687,933, plus strand): 5'-AGGTCAGCCAGCACCAGCTGTCATTGCTCACGCCTGTCACCCTCATGGCAGGAACAACCA[G>A]CCCCACACTTTACCTTCAGGGCTGCCATGTCCTGCTTGAAGTCTTCCTCATAAAGACTGG-3'